The following is an entry in ClinVar:

ClinVar aggregate classification (germline): Uncertain significance (1 of 4 stars; one submission).

Conditions:
Nephronophthisis. Also called: Juvenile Nephronophthisis. Identifiers: Orphanet 655, MedGen C0687120, MONDO:0019005, HP:0000090.

Submission:

Labcorp Genetics (formerly Invitae), Labcorp
Classification: Uncertain significance for Nephronophthisis. Last evaluated: 2022-02-24. Review status: criteria provided, single submitter. Criteria: Invitae Variant Classification Sherloc (09022015). Collection method: clinical testing. Allele origin: germline.
Comment: In summary, the available evidence is currently insufficient to determine the role of this variant in disease. Therefore, it has been classified as a Variant of Uncertain Significance. Variants that disrupt the consensus splice site are a relatively common cause of aberrant splicing (PMID: 17576681, 9536098). Algorithms developed to predict the effect of sequence changes on RNA splicing suggest that this variant may disrupt the consensus splice site. This variant has not been reported in the literature in individuals affected with NPHP3-related conditions. This variant is not present in population databases (gnomAD no frequency). This sequence change falls in intron 15 of the NPHP3 gene. It does not directly change the encoded amino acid sequence of the NPHP3 protein. It affects a nucleotide within the consensus splice site.

Literature cited by the submitters: PubMed 17576681; PubMed 9536098.

NM_153240.5(NPHP3):c.2171+4A>G

Genes: NPHP3 (nephrocystin 3; minus strand), NPHP3-ACAD11 (NPHP3-ACAD11 readthrough (NMD candidate); minus strand). Cytogenetic location: 3q22.1.
Variant type: single nucleotide variant.
Coding change: c.2171+4A>G on transcript NM_153240.5 (MANE Select); 4 bases into the intron after coding-DNA position 2171, A replaced by G.
Molecular consequence: intron variant.
Genome position (GRCh38, 1-based): chr3:132,696,727, T>C on the plus strand (A>G on the coding strand, the complement: NPHP3 is on the minus strand). VCF-style: chr3-132696727-T-C. GRCh37 (hg19) VCF-style: chr3-132415571-T-C.
Identifiers: ClinVar variation 1473911 (VCV001473911.6), dbSNP rs2107976702, ClinGen allele CA2573136549.
Genomic context (GRCh38, chr3:132,696,727, plus strand): 5'-GTGAGAAAGGGTCTGCAGCAAACACAAAACATGCAGAAGATCATGTAAAATAATCACCAC[T>C]CACCGCGCGATCATTTTGCCGAAAAGGGTGACATAAAGGGCATTGCAGGTTGTAGCAGAA-3'